The following is an entry in ClinVar:

NM_001018115.3(FANCD2):c.3446C>T (p.Ala1149Val)

Genes: FANCD2 (FA complementation group D2; plus strand), FANCD2OS (FANCD2 opposite strand; minus strand). Cytogenetic location: 3p25.3.
Variant type: single nucleotide variant.
Coding change: c.3446C>T on transcript NM_001018115.3 (MANE Select); coding-DNA position 3446, C replaced by T.
Protein change: p.Ala1149Val; replaces alanine 1149 with valine.
Molecular consequence: missense variant. On other transcripts: intron variant (1).
Genome position (GRCh38, 1-based): chr3:10,087,244, C>T. VCF-style: chr3-10087244-C-T. GRCh37 (hg19) VCF-style: chr3-10128928-C-T.
Other names: c.3446C>T, p.Ala1149Val (NM_001319984.2, NM_001374254.1, NM_033084.6); c.3335C>T, p.Ala1112Val (NM_001374253.1); c.*44-5713G>A (NM_173472.2); short protein forms A1149V, A1112V.
Identifiers: ClinVar variation 134324 (VCV000134324.38), dbSNP rs147675860, ClinGen allele CA159493.
Genomic context (GRCh38, chr3:10,087,244, plus strand): 5'-AGTGTGCTCTTTATCTCATCAGACTTTTGATGGTTATTTTGGAGAAATCAACAGCTTCTG[C>T]TCAGAACAAAGAAAAAATTGGTGATGGGCCTAGATCCTTTTTTTTTTTTTTTTTTTAATG-3'
Protein context (NP_001018125.1, residues 1139-1159): MVILEKSTAS[Ala1149Val]QNKEKIASLA

ClinVar aggregate classification (germline): Benign/Likely benign. Review status: criteria provided, multiple submitters, no conflicts (2 of 4 stars). 7 submissions from 7 submitters: Benign (4); Likely benign (1). 2 of the submissions do not count toward it. Last evaluated 2026-02-04.

Conditions:
Fanconi anemia (FA). Also called: Fanconi's anemia. Identifiers: Orphanet 84, MedGen C0015625, MeSH D005199, MONDO:0019391.
Fanconi anemia complementation group D2. Also called: FANCD2-Related Fanconi Anemia; FANCONI PANCYTOPENIA, TYPE 4; FANCONI ANEMIA, COMPLEMENTATION GROUP D. Identifiers: Orphanet 84, MedGen C3160738, MONDO:0009214, OMIM 227646.

Allele frequency attached by ClinVar (database versions not stated): ESP Exome Variant Server 0.00062; 1000 Genomes Project 30x 0.00219; gnomAD 0.00063 and 0.00070; TOPMed 0.00083; 1000 Genomes Project 0.00220; ExAC 0.00121; gnomAD exomes 0.00125.
gnomAD v4.1: 596 of 1,605,114 alleles (0.037%); highest among the groups gnomAD compares: East Asian, 1%; 8 homozygotes.

Submissions (7):

Labcorp Genetics (formerly Invitae), Labcorp
Classification: Benign for Fanconi anemia. Last evaluated: 2026-02-04. Review status: criteria provided, single submitter. Criteria: Invitae Variant Classification Sherloc (09022015). Collection method: clinical testing. Allele origin: germline.

CeGaT Center for Human Genetics Tuebingen
Classification: Benign. Last evaluated: 2025-07-01. Review status: criteria provided, single submitter. Criteria: CeGaT Center For Human Genetics Tuebingen Variant Classification Criteria Version 2. Collection method: clinical testing. Allele origin: germline. Affected: yes. Observed: 2 variant alleles.
Comment: FANCD2: BP4, BS1, BS2

ARUP Laboratories, Molecular Genetics and Genomics, ARUP Laboratories
Classification: Benign for Fanconi anemia complementation group D2. Last evaluated: 2025-06-10. Review status: criteria provided, single submitter. Criteria: ARUP Molecular Germline Variant Investigation Process 2024. Collection method: clinical testing. Allele origin: germline.

Illumina Laboratory Services, Illumina
Classification: Benign for Fanconi anemia complementation group D2. Last evaluated: 2018-01-12. Review status: criteria provided, single submitter. Criteria: ICSL Variant Classification Criteria 13 December 2019. Collection method: clinical testing. Allele origin: germline.
Comment: This variant was observed in the ICSL laboratory as part of a predisposition screen in an ostensibly healthy population. It had not been previously curated by ICSL or reported in the Human Gene Mutation Database (HGMD: prior to June 1st, 2018), and was therefore a candidate for classification through an automated scoring system. Utilizing variant allele frequency, disease prevalence and penetrance estimates, and inheritance mode, an automated score was calculated to assess if this variant is too frequent to cause the disease. Based on the score and internal cut-off values, a variant classified as benign is not then subjected to further curation. The score for this variant resulted in a classification of benign for this disease.

Center for Pediatric Genomic Medicine, Children's Mercy Hospital and Clinics
Classification: Likely benign. Last evaluated: 2017-08-02. Review status: criteria provided, single submitter. Criteria: ACMG Guidelines, 2015. Collection method: clinical testing. Allele origin: germline.

ITMI
No classification provided. Condition: AllHighlyPenetrant. Last evaluated: 2013-09-19. Review status: no classification provided. Collection method: reference population. Allele origin: germline. Not counted in ClinVar's aggregate classification.
Comment: Please see associated publication for description of ethnicities

Department of Pathology and Laboratory Medicine, Sinai Health System
Classification: Benign. Review status: no assertion criteria provided. Collection method: clinical testing. Allele origin: unknown. Affected: yes. Study: The Canadian Open Genetics Repository (COGR). Not counted in ClinVar's aggregate classification.
Comment: The FANCD2 p.Ala1149Val variant was not identified in the literature nor was it identified in LOVD 3.0. The variant was identified in dbSNP (ID: rs147675860), ClinVar (classified as a VUS by Illumina for Fanconi Anemia, likely benign by Center for Pediatric Genomic Medicine at Children's Mercy Hospital and Clinics and benign by Invitae for Fanconi Anemia) and Cosmic (FATHMM prediction: neutral; score=0.19). The variant was identified in control databases in 352 of 281318 chromosomes (5 homozygous) at a frequency of 0.001251 increasing the likelihood this could be a low frequency benign variant (Genome Aggregation Database Feb 27, 2017). The variant was observed in the following populations: East Asian in 320 of 19928 chromosomes (freq: 0.01606), African in 22 of 24706 chromosomes (freq: 0.000891), Other in 2 of 7158 chromosomes (freq: 0.000279), Latino in 2 of 35354 chromosomes (freq: 0.000057), European (non-Finnish) in 5 of 128722 chromosomes (freq: 0.000039) and South Asian in 1 of 30612 chromosomes (freq: 0.000033), but was not observed in the Ashkenazi Jewish or European (Finnish) populations. The p.Ala1149 residue is not conserved in mammals and computational analyses (PolyPhen-2, SIFT, AlignGVGD, BLOSUM, MutationTaster) do not suggest a high likelihood of impact to the protein; however, this information is not predictive enough to rule out pathogenicity. The variant occurs outside of the splicing consensus sequence and in silico or computational prediction software programs (SpliceSiteFinder, MaxEntScan, NNSPLICE, GeneSplicer) do not predict a difference in splicing. In summary, based on the above information this variant meets our laboratory's criteria to be classified as benign.

Literature cited by the submitters: PubMed 24728327 (cited by ITMI).